The following is an entry in ClinVar:

NM_001374828.1(ARID1B):c.4714G>C (p.Gly1572Arg)

Gene: ARID1B (AT-rich interaction domain 1B; plus strand). Cytogenetic location: 6q25.3.
Variant type: single nucleotide variant.
Coding change: c.4714G>C on transcript NM_001374828.1 (MANE Select); coding-DNA position 4714, G replaced by C.
Protein change: p.Gly1572Arg; replaces glycine 1572 with arginine.
Molecular consequence: missense variant.
Genome position (GRCh38, 1-based): chr6:157,200,939, G>C. VCF-style: chr6-157200939-G-C. GRCh37 (hg19) VCF-style: chr6-157522073-G-C.
Other names: c.2215G>C, p.Gly739Arg (NM_001363725.2); c.4594G>C, p.Gly1532Arg (NM_001371656.1, NM_001374820.1); c.4555G>C, p.Gly1519Arg (NM_017519.3); short protein forms G1572R, G1519R, G1532R, G739R.
Identifiers: ClinVar variation 3635338 (VCV003635338.2).
Genomic context (GRCh38, chr6:157,200,939, plus strand): 5'-AGGGAGAGGATGCAGGGCCCGGGGCAGATCCAGACACACGGAATCCCGCCTCAGATGATG[G>C]GCGGCCCGCTGCAGTCGTCCTCCAGTGAGGGGCCTCAGCAGAATATGTGGGCAGCACGCA-3'
Protein context (NP_001361757.1, residues 1562-1582): QTHGIPPQMM[Gly1572Arg]GPLQSSSSEG

ClinVar aggregate classification (germline): Uncertain significance (1 of 4 stars; one submission).

gnomAD v4.1: 1 of 1,613,936 alleles (0.000062%); highest among the groups gnomAD compares: Non-Finnish European, 0.000085%; no homozygotes.

Submission:

Labcorp Genetics (formerly Invitae), Labcorp
Classification: Uncertain significance. Last evaluated: 2024-10-24. Review status: criteria provided, single submitter. Criteria: Invitae Variant Classification Sherloc (09022015). Collection method: clinical testing. Allele origin: germline.
Comment: This sequence change replaces glycine, which is neutral and non-polar, with arginine, which is basic and polar, at codon 1449 of the ARID1B protein (p.Gly1449Arg). This variant is not present in population databases (gnomAD no frequency). This variant has not been reported in the literature in individuals affected with ARID1B-related conditions. Invitae Evidence Modeling of protein sequence and biophysical properties (such as structural, functional, and spatial information, amino acid conservation, physicochemical variation, residue mobility, and thermodynamic stability) indicates that this missense variant is not expected to disrupt ARID1B protein function with a negative predictive value of 95%. In summary, the available evidence is currently insufficient to determine the role of this variant in disease. Therefore, it has been classified as a Variant of Uncertain Significance.